The following is an entry in ClinVar:

ClinVar aggregate classification (germline): Uncertain significance. Review status: criteria provided, multiple submitters, no conflicts (2 of 4 stars). 3 submissions from 3 submitters: Uncertain significance (3). Last evaluated 2024-11-27.

Conditions:
Inborn genetic diseases. Identifiers: MedGen C0950123, MeSH D030342.
Aortic valve disease 2 (AOVD2). Identifiers: MedGen C3542024, MONDO:0013902, OMIM 614823.
SMAD6-related disease. Also called: SMAD6-related condition; SMAD6-related disorder. Identifiers: MedGen CN381596, MONDO:0700324.

Allele frequency attached by ClinVar (database versions not stated): gnomAD exomes 0.00004 and 0.00003; ExAC 0.00001; gnomAD 0.00001; TOPMed 0.00003.
gnomAD v4.1: 46 of 1,600,430 alleles (0.0029%); highest among the groups gnomAD compares: Middle Eastern, 0.099%; no homozygotes.

Submissions (3):

Labcorp Genetics (formerly Invitae), Labcorp
Classification: Uncertain significance for Aortic valve disease 2. Last evaluated: 2024-11-27. Review status: criteria provided, single submitter. Criteria: Invitae Variant Classification Sherloc (09022015). Collection method: clinical testing. Allele origin: germline.
Comment: This sequence change replaces alanine, which is neutral and non-polar, with valine, which is neutral and non-polar, at codon 424 of the SMAD6 protein (p.Ala424Val). This variant is present in population databases (rs371348775, gnomAD 0.01%). This variant has not been reported in the literature in individuals affected with SMAD6-related conditions. ClinVar contains an entry for this variant (Variation ID: 656719). Invitae Evidence Modeling of protein sequence and biophysical properties (such as structural, functional, and spatial information, amino acid conservation, physicochemical variation, residue mobility, and thermodynamic stability) indicates that this missense variant is not expected to disrupt SMAD6 protein function with a negative predictive value of 80%. In summary, the available evidence is currently insufficient to determine the role of this variant in disease. Therefore, it has been classified as a Variant of Uncertain Significance.

PreventionGenetics, part of Exact Sciences
Classification: Uncertain significance for SMAD6-related condition. Last evaluated: 2024-11-19. Review status: criteria provided, single submitter. Criteria: ACMG Guidelines, 2015. Collection method: clinical testing. Allele origin: germline.
Comment: The SMAD6 c.1271C>T variant is predicted to result in the amino acid substitution p.Ala424Val. To our knowledge, this variant has not been reported in the literature. This variant is reported in 0.010% of alleles in individuals of Ashkenazi Jewish descent in gnomAD. At this time, the clinical significance of this variant is uncertain due to the absence of conclusive functional and genetic evidence.

Ambry Genetics
Classification: Uncertain significance for Inborn genetic diseases. Last evaluated: 2024-05-12. Review status: criteria provided, single submitter. Criteria: Ambry Variant Classification Scheme 2023. Collection method: clinical testing. Allele origin: germline.
Comment: The p.A424V variant (also known as c.1271C>T), located in coding exon 4 of the SMAD6 gene, results from a C to T substitution at nucleotide position 1271. The alanine at codon 424 is replaced by valine, an amino acid with similar properties. This amino acid position is conserved. In addition, the in silico prediction for this alteration is inconclusive. Since supporting evidence is limited at this time, the clinical significance of this alteration remains unclear.

NM_005585.5(SMAD6):c.1271C>T (p.Ala424Val)

Gene: SMAD6 (SMAD family member 6; plus strand). Cytogenetic location: 15q22.31.
Variant type: single nucleotide variant.
Coding change: c.1271C>T on transcript NM_005585.5 (MANE Select); coding-DNA position 1271, C replaced by T.
Protein change: p.Ala424Val; replaces alanine 424 with valine.
Molecular consequence: missense variant. On other transcripts: non-coding transcript variant (1).
Genome position (GRCh38, 1-based): chr15:66,781,315, C>T. VCF-style: chr15-66781315-C-T. GRCh37 (hg19) VCF-style: chr15-67073653-C-T.
Other names: short protein forms A424V.
Identifiers: ClinVar variation 656719 (VCV000656719.14), dbSNP rs371348775, ClinGen allele CA7626774.